The following is an entry in ClinVar:

ClinVar aggregate classification (germline): Uncertain significance (1 of 4 stars; one submission).

Conditions:
Brody myopathy. Also called: BRODY DISEASE. Identifiers: Orphanet 53347, MedGen C1832918, MONDO:0010977, OMIM 601003.

gnomAD v4.1: 1 of 1,614,222 alleles (0.000062%); highest among the groups gnomAD compares: Admixed American, 0.0017%; no homozygotes.

Submission:

Labcorp Genetics (formerly Invitae), Labcorp
Classification: Uncertain significance for Brody myopathy. Last evaluated: 2022-01-04. Review status: criteria provided, single submitter. Criteria: Invitae Variant Classification Sherloc (09022015). Collection method: clinical testing. Allele origin: germline.
Comment: This sequence change replaces glycine, which is neutral and non-polar, with aspartic acid, which is acidic and polar, at codon 81 of the ATP2A1 protein (p.Gly81Asp). This variant is present in population databases (no rsID available, gnomAD 0.003%). This variant has not been reported in the literature in individuals affected with ATP2A1-related conditions. Algorithms developed to predict the effect of missense changes on protein structure and function are either unavailable or do not agree on the potential impact of this missense change (SIFT: "Tolerated"; PolyPhen-2: "Probably Damaging"; Align-GVGD: "Class C0"). In summary, the available evidence is currently insufficient to determine the role of this variant in disease. Therefore, it has been classified as a Variant of Uncertain Significance.

NM_004320.6(ATP2A1):c.242G>A (p.Gly81Asp)

Gene: ATP2A1 (ATPase sarcoplasmic/endoplasmic reticulum Ca2+ transporting 1; plus strand). Cytogenetic location: 16p11.2.
Variant type: single nucleotide variant.
Coding change: c.242G>A on transcript NM_004320.6 (MANE Select); coding-DNA position 242, G replaced by A.
Protein change: p.Gly81Asp; replaces glycine 81 with aspartic acid.
Molecular consequence: missense variant. On other transcripts: 5 prime UTR variant (1).
Genome position (GRCh38, 1-based): chr16:28,880,937, G>A. VCF-style: chr16-28880937-G-A. GRCh37 (hg19) VCF-style: chr16-28892258-G-A.
Other names: c.-134G>A (NM_001286075.2); c.242G>A, p.Gly81Asp (NM_173201.5); short protein forms G81D.
Identifiers: ClinVar variation 2421035 (VCV002421035.5), dbSNP rs1174262124, ClinGen allele CA395400418.
Genomic context (GRCh38, chr16:28,880,937, plus strand): 5'-CCTCATTACCTGTCATTCTCCTTTCCCCTGCTCCCCAGGTGCTGGCCTGGTTTGAGGAAG[G>A]TGAAGAGACCATCACTGCCTTTGTTGAACCCTTTGTCATCCTCTTGATCCTCATTGCCAA-3'
Protein context (NP_004311.1, residues 71-91): ISFVLAWFEE[Gly81Asp]EETITAFVEP